The following is an entry in ClinVar:

NM_000051.4(ATM):c.2922-6C>T

Gene: ATM (ATM serine/threonine kinase; plus strand). Cytogenetic location: 11q22.3.
Variant type: single nucleotide variant.
Coding change: c.2922-6C>T on transcript NM_000051.4 (MANE Select); 6 bases into the intron before coding-DNA position 2922, C replaced by T.
Molecular consequence: intron variant.
Genome position (GRCh38, 1-based): chr11:108,271,245, C>T. VCF-style: chr11-108271245-C-T. GRCh37 (hg19) VCF-style: chr11-108141972-C-T.
Other names: c.2922-6C>T (NM_001351834.2).
Identifiers: ClinVar variation 3254019 (VCV003254019.1), dbSNP rs1346698280.
Genomic context (GRCh38, chr11:108,271,245, plus strand): 5'-TTATAAAATAACTGATGTGTTCTGTTAAGCTTATAAAGTTGAACTTTTTTTTTTTTTTTA[C>T]CACAGCAATGTGTGTTCTTTGTATCGTCGTGACCAAGATGTTTGTAAAACTATTTTAAAC-3'

ClinVar aggregate classification (germline): Likely benign (1 of 4 stars; one submission).

Conditions:
Familial cancer of breast. Also called: BREAST CANCER, FAMILIAL; Hereditary breast cancer; hereditary breast carcinoma. Identifiers: Orphanet 227535, MedGen C0346153, MONDO:0016419, OMIM 114480. Disease mechanism: loss of function.

Submission:

Myriad Genetics, Inc.
Classification: Likely benign for Familial cancer of breast. Last evaluated: 2024-05-10. Review status: criteria provided, single submitter. Criteria: Myriad Autosomal Dominant, Autosomal Recessive and X-Linked Classification Criteria (2023). Collection method: clinical testing. Allele origin: unknown.
Comment: This variant is considered likely benign. This variant is intronic and is not expected to impact mRNA splicing.